The following is an entry in ClinVar:

ClinVar aggregate classification (germline): Uncertain significance. Review status: criteria provided, multiple submitters, no conflicts (2 of 4 stars). 2 submissions from 2 submitters: Uncertain significance (2). Last evaluated 2024-06-28.

Conditions:
Gorlin syndrome. Also called: Nevoid Basal Cell Carcinoma Syndrome; Basal cell nevus syndrome. Identifiers: Orphanet 377, MedGen C0004779, MONDO:0007187.
Hereditary cancer-predisposing syndrome. Also called: Neoplastic Syndromes, Hereditary; Hereditary neoplastic syndrome; Hereditary Cancer Syndrome; Tumor predisposition. Identifiers: Orphanet 140162, MedGen C0027672, MeSH D009386, MONDO:0015356.

gnomAD v4.1: 4 of 1,613,916 alleles (0.00025%); highest among the groups gnomAD compares: Non-Finnish European, 0.00034%; no homozygotes.

Submissions (2):

Ambry Genetics
Classification: Uncertain significance for Hereditary cancer-predisposing syndrome. Last evaluated: 2024-06-28. Review status: criteria provided, single submitter. Criteria: Ambry Variant Classification Scheme 2023. Collection method: clinical testing. Allele origin: germline.
Comment: The p.R665L variant (also known as c.1994G>T), located in coding exon 14 of the PTCH1 gene, results from a G to T substitution at nucleotide position 1994. The arginine at codon 665 is replaced by leucine, an amino acid with dissimilar properties. This amino acid position is highly conserved in available vertebrate species. In addition, this alteration is predicted to be deleterious by in silico analysis. Based on the available evidence, the clinical significance of this variant remains unclear.

Labcorp Genetics (formerly Invitae), Labcorp
Classification: Uncertain significance for Gorlin syndrome. Last evaluated: 2022-10-17. Review status: criteria provided, single submitter. Criteria: Invitae Variant Classification Sherloc (09022015). Collection method: clinical testing. Allele origin: germline.
Comment: In summary, the available evidence is currently insufficient to determine the role of this variant in disease. Therefore, it has been classified as a Variant of Uncertain Significance. Advanced modeling of protein sequence and biophysical properties (such as structural, functional, and spatial information, amino acid conservation, physicochemical variation, residue mobility, and thermodynamic stability) performed at Invitae indicates that this missense variant is not expected to disrupt PTCH1 protein function. This variant has not been reported in the literature in individuals affected with PTCH1-related conditions. This variant is not present in population databases (gnomAD no frequency). This sequence change replaces arginine, which is basic and polar, with leucine, which is neutral and non-polar, at codon 665 of the PTCH1 protein (p.Arg665Leu).

NM_000264.5(PTCH1):c.1994G>T (p.Arg665Leu)

Genes: PTCH1 (patched 1; minus strand), LOC100507346 (uncharacterized LOC100507346; plus strand). Cytogenetic location: 9q22.32.
Variant type: single nucleotide variant.
Coding change: c.1994G>T on transcript NM_000264.5 (MANE Select); coding-DNA position 1994, G replaced by T.
Protein change: p.Arg665Leu; replaces arginine 665 with leucine.
Molecular consequence: missense variant. On other transcripts: non-coding transcript variant (2).
Genome position (GRCh38, 1-based): chr9:95,469,007, C>A on the plus strand (G>T on the coding strand, the complement: PTCH1 is on the minus strand). VCF-style: chr9-95469007-C-A. GRCh37 (hg19) VCF-style: chr9-98231289-C-A.
Other names: c.1796G>T, p.Arg599Leu (NM_001083602.3); c.1991G>T, p.Arg664Leu (NM_001083603.3); c.1541G>T, p.Arg514Leu (NM_001083604.3, NM_001083605.3, NM_001083606.3 and 1 more transcripts); c.1838G>T, p.Arg613Leu (NM_001354918.2); short protein forms R665L, R599L, R613L, R664L, R514L.
Identifiers: ClinVar variation 2143805 (VCV002143805.5), dbSNP rs139705799, ClinGen allele CA196586846.